The following is an entry in ClinVar:

ClinVar aggregate classification (germline): Uncertain significance. Review status: criteria provided, multiple submitters, no conflicts (2 of 4 stars). 3 submissions from 3 submitters: Uncertain significance (3). Last evaluated 2025-11-22.

Conditions:
Familial adenomatous polyposis 1 (FAP1). Also called: POLYPOSIS, ADENOMATOUS INTESTINAL; FAMILIAL ADENOMATOUS POLYPOSIS 1, ATTENUATED. Identifiers: MedGen C2713442, MONDO:0021056, OMIM 175100. Disease mechanism: loss of function.
Hereditary cancer-predisposing syndrome. Also called: Hereditary neoplastic syndrome; Neoplastic Syndromes, Hereditary; Tumor predisposition; Hereditary Cancer Syndrome. Identifiers: Orphanet 140162, MedGen C0027672, MeSH D009386, MONDO:0015356.

Submissions (3):

Labcorp Genetics (formerly Invitae), Labcorp
Classification: Uncertain significance for Familial adenomatous polyposis 1. Last evaluated: 2025-11-22. Review status: criteria provided, single submitter. Criteria: Invitae Variant Classification Sherloc (09022015). Collection method: clinical testing. Allele origin: germline.
Comment: This sequence change replaces proline, which is neutral and non-polar, with serine, which is neutral and polar, at codon 1934 of the APC protein (p.Pro1934Ser). This variant is not present in population databases (gnomAD no frequency). This variant has not been reported in the literature in individuals affected with APC-related conditions. ClinVar contains an entry for this variant (Variation ID: 470021). Invitae Evidence Modeling of protein sequence and biophysical properties (such as structural, functional, and spatial information, amino acid conservation, physicochemical variation, residue mobility, and thermodynamic stability) indicates that this missense variant is not expected to disrupt APC protein function with a negative predictive value of 95%. In summary, the available evidence is currently insufficient to determine the role of this variant in disease. Therefore, it has been classified as a Variant of Uncertain Significance.

Ambry Genetics
Classification: Uncertain significance for Hereditary cancer-predisposing syndrome. Last evaluated: 2024-10-11. Review status: criteria provided, single submitter. Criteria: Ambry Variant Classification Scheme 2023. Collection method: clinical testing. Allele origin: germline.
Comment: The p.P1934S variant (also known as c.5800C>T), located in coding exon 15 of the APC gene, results from a C to T substitution at nucleotide position 5800. The proline at codon 1934 is replaced by serine, an amino acid with similar properties. This amino acid position is well conserved in available vertebrate species. In addition, in silico predictors for this gene do not accurately predict pathogenicity. Missense alterations in APC are not a common cause of disease (Spier I et al. Genet Med. 2024 Feb;26(2):100992). Based on the available evidence, the clinical significance of this variant remains unclear.

Color Diagnostics, LLC DBA Color Health
Classification: Uncertain significance for Hereditary cancer-predisposing syndrome. Last evaluated: 2019-02-25. Review status: criteria provided, single submitter. Criteria: ACMG Guidelines, 2015. Collection method: clinical testing. Allele origin: germline.

NM_000038.6(APC):c.5800C>T (p.Pro1934Ser)

Gene: APC (APC regulator of Wnt signaling pathway; plus strand). Cytogenetic location: 5q22.2.
Variant type: single nucleotide variant.
Coding change: c.5800C>T on transcript NM_000038.6 (MANE Select); coding-DNA position 5800, C replaced by T.
Protein change: p.Pro1934Ser; replaces proline 1934 with serine.
Molecular consequence: missense variant.
Genome position (GRCh38, 1-based): chr5:112,841,394, C>T. VCF-style: chr5-112841394-C-T. GRCh37 (hg19) VCF-style: chr5-112177091-C-T.
Other names: c.5800C>T, p.Pro1934Ser (NM_001127510.3, NM_001354895.2); c.5746C>T, p.Pro1916Ser (NM_001127511.3); c.5854C>T, p.Pro1952Ser (NM_001354896.2); c.5830C>T, p.Pro1944Ser (NM_001354897.2); c.5725C>T, p.Pro1909Ser (NM_001354898.2); c.5716C>T, p.Pro1906Ser (NM_001354899.2); c.5677C>T, p.Pro1893Ser (NM_001354900.2); c.5623C>T, p.Pro1875Ser (NM_001354901.2); and 5 more; short protein forms P1916S, P1934S, P1651S, P1833S, P1906S, P1909S, P1774S, P1875S.
Identifiers: ClinVar variation 470021 (VCV000470021.13), dbSNP rs1554087001, ClinGen allele CA16034021.